The following is an entry in ClinVar:

NM_016247.4(IMPG2):c.2006A>T (p.His669Leu)

Gene: IMPG2 (interphotoreceptor matrix proteoglycan 2; minus strand). Cytogenetic location: 3q12.3.
Variant type: single nucleotide variant.
Coding change: c.2006A>T on transcript NM_016247.4 (MANE Select); coding-DNA position 2006, A replaced by T.
Protein change: p.His669Leu; replaces histidine 669 with leucine.
Molecular consequence: missense variant.
Genome position (GRCh38, 1-based): chr3:101,244,325, T>A on the plus strand (A>T on the coding strand, the complement: IMPG2 is on the minus strand). VCF-style: chr3-101244325-T-A. GRCh37 (hg19) VCF-style: chr3-100963169-T-A.
Other names: short protein forms H669L.
Identifiers: ClinVar variation 1499974 (VCV001499974.8), dbSNP rs761529045, ClinGen allele CA353859055.
Genomic context (GRCh38, chr3:101,244,325, plus strand): 5'-ATGGGCACAGCAGGCCCACTAAGAGGCTCTTCCTCTGGAAAGTGTGTGGATCTGTCATCA[T>A]GTTCATATTTTGAGTGCTTACTAATTTGGTCTGTGGAATCCATTTTGTCAACTAAAACTA-3'
Protein context (NP_057331.2, residues 659-679): DQISKHSKYE[His669Leu]DDRSTHFPEE

ClinVar aggregate classification (germline): Uncertain significance (1 of 4 stars; one submission).

Submission:

Labcorp Genetics (formerly Invitae), Labcorp
Classification: Uncertain significance. Last evaluated: 2024-10-23. Review status: criteria provided, single submitter. Criteria: Invitae Variant Classification Sherloc (09022015). Collection method: clinical testing. Allele origin: germline.
Comment: This sequence change replaces histidine, which is basic and polar, with leucine, which is neutral and non-polar, at codon 669 of the IMPG2 protein (p.His669Leu). This variant is not present in population databases (gnomAD no frequency). This variant has not been reported in the literature in individuals affected with IMPG2-related conditions. ClinVar contains an entry for this variant (Variation ID: 1499974). Invitae Evidence Modeling of protein sequence and biophysical properties (such as structural, functional, and spatial information, amino acid conservation, physicochemical variation, residue mobility, and thermodynamic stability) indicates that this missense variant is not expected to disrupt IMPG2 protein function with a negative predictive value of 80%. In summary, the available evidence is currently insufficient to determine the role of this variant in disease. Therefore, it has been classified as a Variant of Uncertain Significance.